The following is an entry in ClinVar:

NM_000702.4(ATP1A2):c.1096G>A (p.Gly366Ser)

Gene: ATP1A2 (ATPase Na+/K+ transporting subunit alpha 2; plus strand). Cytogenetic location: 1q23.2.
Variant type: single nucleotide variant.
Coding change: c.1096G>A on transcript NM_000702.4 (MANE Select); coding-DNA position 1096, G replaced by A.
Protein change: p.Gly366Ser; replaces glycine 366 with serine.
Molecular consequence: missense variant.
Genome position (GRCh38, 1-based): chr1:160,128,730, G>A. VCF-style: chr1-160128730-G-A. GRCh37 (hg19) VCF-style: chr1-160098520-G-A.
Other names: c.1096G>A (NM_000702.3); short protein forms G366S.
Identifiers: ClinVar variation 493055 (VCV000493055.45), dbSNP rs1553244883, ClinGen allele CA343239366.

ClinVar aggregate classification (germline): Pathogenic/Likely pathogenic. Review status: criteria provided, multiple submitters, no conflicts (2 of 4 stars). 3 submissions from 3 submitters: Pathogenic (1); Likely pathogenic (2). Last evaluated 2025-12-17.

Conditions:
Familial hemiplegic migraine. Identifiers: MedGen C0338484, MONDO:0000700.
Developmental and epileptic encephalopathy 98. Identifiers: MedGen C5562017, MONDO:0030472, OMIM 619605.

Submissions (3):

Labcorp Genetics (formerly Invitae), Labcorp
Classification: Pathogenic for Familial hemiplegic migraine. Last evaluated: 2025-12-17. Review status: criteria provided, single submitter. Criteria: Invitae Variant Classification Sherloc (09022015). Collection method: clinical testing. Allele origin: germline.
Comment: This sequence change replaces glycine, which is neutral and non-polar, with serine, which is neutral and polar, at codon 366 of the ATP1A2 protein (p.Gly366Ser). This variant is not present in population databases (gnomAD no frequency). This missense change has been observed in individual(s) with clinical features of ATP1A2-related conditions (internal data). In at least one individual the variant was observed to be de novo. ClinVar contains an entry for this variant (Variation ID: 493055). Invitae Evidence Modeling of protein sequence and biophysical properties (such as structural, functional, and spatial information, amino acid conservation, physicochemical variation, residue mobility, and thermodynamic stability) indicates that this missense variant is expected to disrupt ATP1A2 protein function with a positive predictive value of 80%. This variant disrupts the p.Gly366 amino acid residue in ATP1A2. Other variant(s) that disrupt this residue have been determined to be pathogenic (PMID: 30185235). This suggests that this residue is clinically significant, and that variants that disrupt this residue are likely to be disease-causing. For these reasons, this variant has been classified as Pathogenic.

Centre for Inherited Metabolic Diseases, Karolinska University Hospital
Classification: Likely pathogenic for Developmental and epileptic encephalopathy 98. Last evaluated: 2023-05-09. Review status: criteria provided, single submitter. Criteria: ACMG Guidelines, 2015. Collection method: clinical testing. Allele origin: de novo. Inheritance: Autosomal dominant inheritance. Affected: yes. Observed: 1 heterozygote.

CeGaT Center for Human Genetics Tuebingen
Classification: Likely pathogenic. Last evaluated: 2017-07-01. Review status: criteria provided, single submitter. Criteria: CeGaT Center For Human Genetics Tuebingen Variant Classification Criteria Version 2. Collection method: clinical testing. Allele origin: germline. Affected: yes. Observed: 1 variant allele.

Literature cited by the submitters: PubMed 30185235 (cited by Labcorp Genetics (formerly Invitae), Labcorp).